The following is an entry in ClinVar:

ClinVar aggregate classification (germline): Uncertain significance. Review status: criteria provided, multiple submitters, no conflicts (2 of 4 stars). 4 submissions from 4 submitters: Uncertain significance (4). Last evaluated 2025-04-12.

Conditions:
PNPLA2-related disorder. Also called: PNPLA2-related condition.
Inborn genetic diseases. Identifiers: MedGen C0950123, MeSH D030342.
Neutral lipid storage myopathy (NLSDM). Also called: NEUTRAL LIPID STORAGE DISEASE WITHOUT ICHTHYOSIS. Identifiers: Orphanet 98908, MedGen C1853136, MONDO:0012545, OMIM 610717.

Allele frequency attached by ClinVar (database versions not stated): gnomAD exomes 0.00001 and 0.00006; gnomAD 0.00004 and 0.00005; TOPMed 0.00004; ExAC 0.00008; 1000 Genomes Project 30x 0.00016; 1000 Genomes Project 0.00020.
gnomAD v4.1: 32 of 1,608,764 alleles (0.002%); highest among the groups gnomAD compares: East Asian, 0.045%; no homozygotes.

Submissions (4):

Ambry Genetics
Classification: Uncertain significance for Inborn genetic diseases. Last evaluated: 2025-04-12. Review status: criteria provided, single submitter. Criteria: Ambry Variant Classification Scheme 2023. Collection method: clinical testing. Allele origin: germline.

PreventionGenetics, part of Exact Sciences
Classification: Uncertain significance for PNPLA2-related condition. Last evaluated: 2023-02-16. Review status: criteria provided, single submitter. Criteria: ACMG Guidelines, 2015. Collection method: clinical testing. Allele origin: germline.
Comment: The PNPLA2 c.815C>G variant is predicted to result in the amino acid substitution p.Pro272Arg. To our knowledge, this variant has not been reported in the literature. This variant is reported in 0.088% of alleles in individuals of East Asian descent in gnomAD. At this time, the clinical significance of this variant is uncertain due to the absence of conclusive functional and genetic evidence.

Labcorp Genetics (formerly Invitae), Labcorp
Classification: Uncertain significance for Neutral lipid storage myopathy. Last evaluated: 2022-01-13. Review status: criteria provided, single submitter. Criteria: Invitae Variant Classification Sherloc (09022015). Collection method: clinical testing. Allele origin: germline.
Comment: This sequence change replaces proline, which is neutral and non-polar, with arginine, which is basic and polar, at codon 272 of the PNPLA2 protein (p.Pro272Arg). This variant is present in population databases (rs200993304, gnomAD 0.09%). This variant has not been reported in the literature in individuals affected with PNPLA2-related conditions. Algorithms developed to predict the effect of missense changes on protein structure and function (SIFT, PolyPhen-2, Align-GVGD) all suggest that this variant is likely to be tolerated. In summary, the available evidence is currently insufficient to determine the role of this variant in disease. Therefore, it has been classified as a Variant of Uncertain Significance.

Revvity Omics, Revvity
Classification: Uncertain significance for Neutral lipid storage myopathy. Last evaluated: 2021-01-07. Review status: criteria provided, single submitter. Criteria: ACMG Guidelines, 2015. Collection method: clinical testing. Allele origin: germline.

NM_020376.4(PNPLA2):c.815C>G (p.Pro272Arg)

Gene: PNPLA2 (patatin like domain 2, triacylglycerol lipase; plus strand). Cytogenetic location: 11p15.5.
Variant type: single nucleotide variant.
Coding change: c.815C>G on transcript NM_020376.4 (MANE Select); coding-DNA position 815, C replaced by G.
Protein change: p.Pro272Arg; replaces proline 272 with arginine.
Molecular consequence: missense variant.
Genome position (GRCh38, 1-based): chr11:823,751, C>G. VCF-style: chr11-823751-C-G. GRCh37 (hg19) VCF-style: chr11-823751-C-G.
Other names: c.815C>G (NM_020376.3); short protein forms P272R.
Identifiers: ClinVar variation 1494133 (VCV001494133.10), dbSNP rs200993304, ClinGen allele CA5791195.